The following is an entry in ClinVar:

NM_006767.4(LZTR1):c.1426_1430dup (p.Glu479fs)

Gene: LZTR1 (leucine zipper like post translational regulator 1; plus strand). Cytogenetic location: 22q11.21.
Variant type: Duplication.
Coding change: c.1426_1430dup on transcript NM_006767.4 (MANE Select); coding-DNA positions 1426 to 1430, 5 bases duplicated (CAGGC; older notation c.1426_1430dupCAGGC).
Protein change: p.Glu479fs; shifts the reading frame from glutamic acid 479.
Molecular consequence: frameshift variant.
Genome position (GRCh38, 1-based): chr22:20,993,996-20,994,000, CAGGC duplicated. VCF-style (leftmost placement, unchanged base first): chr22-20993995-G-GCAGGC. GRCh37 (hg19) VCF-style: chr22-21348284-G-GCAGGC.
Other names: short protein forms E479fs.
Identifiers: ClinVar variation 3671024 (VCV003671024.2).

ClinVar aggregate classification (germline): Pathogenic (1 of 4 stars; one submission).

Submission:

Labcorp Genetics (formerly Invitae), Labcorp
Classification: Pathogenic. Last evaluated: 2024-04-06. Review status: criteria provided, single submitter. Criteria: Invitae Variant Classification Sherloc (09022015). Collection method: clinical testing. Allele origin: germline.
Comment: This sequence change creates a premature translational stop signal (p.Glu479Argfs*79) in the LZTR1 gene. It is expected to result in an absent or disrupted protein product. Loss-of-function variants in LZTR1 are known to be pathogenic (PMID: 24362817, 25335493, 25480913, 25795793, 29469822, 30368668, 30442762, 30442766, 30481304, 30859559). This variant is not present in population databases (gnomAD no frequency). This variant has not been reported in the literature in individuals affected with LZTR1-related conditions. Algorithms developed to predict the effect of sequence changes on RNA splicing suggest that this variant may disrupt the consensus splice site. For these reasons, this variant has been classified as Pathogenic.

Literature cited by the submitters: PubMed 24362817; PubMed 25335493; PubMed 25480913; PubMed 25795793; PubMed 29469822; PubMed 30368668; PubMed 30442762; PubMed 30442766; PubMed 30481304; PubMed 30859559.